The following is an entry in ClinVar:

ClinVar aggregate classification (germline): Uncertain significance. Review status: criteria provided, multiple submitters, no conflicts (2 of 4 stars). 3 submissions from 3 submitters: Uncertain significance (3). Last evaluated 2025-12-09.

Conditions:
Hereditary cancer-predisposing syndrome. Also called: Hereditary neoplastic syndrome; Hereditary Cancer Syndrome; Neoplastic Syndromes, Hereditary; Tumor predisposition. Identifiers: Orphanet 140162, MedGen C0027672, MeSH D009386, MONDO:0015356.
Hereditary breast ovarian cancer syndrome. Also called: Hereditary breast and ovarian cancer syndrome; Hereditary breast and ovarian cancer syndrome (HBOC); Breast and ovarian cancer; Hereditary breast and/or ovarian cancer syndrome; Hereditary breast and ovarian cancer; BRCA1- and BRCA2-Associated Hereditary Breast and Ovarian Cancer. Identifiers: Orphanet 145, MedGen C0677776, MeSH D061325, MONDO:0003582. Disease mechanism: loss of function.

Submissions (3):

Ambry Genetics
Classification: Uncertain significance for Hereditary cancer-predisposing syndrome. Last evaluated: 2025-12-09. Review status: criteria provided, single submitter. Criteria: Ambry Variant Classification Scheme 2023. Collection method: clinical testing. Allele origin: germline.
Comment: The p.E149K variant (also known as c.445G>A), located in coding exon 6 of the BRCA1 gene, results from a G to A substitution at nucleotide position 445. The glutamic acid at codon 149 is replaced by lysine, an amino acid with similar properties. This amino acid position is well conserved in available vertebrate species. In addition, this alteration is predicted to be deleterious by in silico analysis. Since supporting evidence is limited at this time, the clinical significance of this alteration remains unclear.

Labcorp Genetics (formerly Invitae), Labcorp
Classification: Uncertain significance for Hereditary breast ovarian cancer syndrome. Last evaluated: 2021-03-08. Review status: criteria provided, single submitter. Criteria: Invitae Variant Classification Sherloc (09022015). Collection method: clinical testing. Allele origin: germline.
Comment: This sequence change replaces glutamic acid with lysine at codon 149 of the BRCA1 protein (p.Glu149Lys). The glutamic acid residue is moderately conserved and there is a small physicochemical difference between glutamic acid and lysine. This variant is not present in population databases (ExAC no frequency). This variant has not been reported in the literature in individuals with BRCA1-related conditions. ClinVar contains an entry for this variant (Variation ID: 230088). Advanced modeling of protein sequence and biophysical properties (such as structural, functional, and spatial information, amino acid conservation, physicochemical variation, residue mobility, and thermodynamic stability) performed at Invitae indicates that this missense variant is not expected to disrupt BRCA1 protein function. In summary, the available evidence is currently insufficient to determine the role of this variant in disease. Therefore, it has been classified as a Variant of Uncertain Significance.

Quest Diagnostics Nichols Institute San Juan Capistrano
Classification: Uncertain significance. Last evaluated: 2020-03-19. Review status: criteria provided, single submitter. Criteria: Quest Diagnostics criteria. Collection method: clinical testing. Allele origin: unknown.

NM_007294.4(BRCA1):c.445G>A (p.Glu149Lys)

Gene: BRCA1 (BRCA1 DNA repair associated; minus strand). Cytogenetic location: 17q21.31.
Variant type: single nucleotide variant.
Coding change: c.445G>A on transcript NM_007294.4 (MANE Select); coding-DNA position 445, G replaced by A.
Protein change: p.Glu149Lys; replaces glutamic acid 149 with lysine.
Molecular consequence: missense variant. On other transcripts: non-coding transcript variant (1).
Genome position (GRCh38, 1-based): chr17:43,099,877, C>T on the plus strand (G>A on the coding strand, the complement: BRCA1 is on the minus strand). VCF-style: chr17-43099877-C-T. GRCh37 (hg19) VCF-style: chr17-41251894-C-T.
Other names: c.364G>A, p.Glu122Lys (NM_001408413.1, NM_001407659.1, NM_001407660.1 and 6 more transcripts); c.445G>A, p.Glu149Lys (NM_001407648.1, NM_001407652.1, NM_001407616.1 and 97 more transcripts); c.304G>A, p.Glu102Lys (NM_001407922.1, NM_001407926.1, NM_001407927.1 and 61 more transcripts); c.64G>A, p.Glu22Lys (NM_001408510.1, NM_001408512.1, NM_001407959.1 and 3 more transcripts); c.301G>A, p.Glu101Lys (NM_001408511.1, NM_001407740.1, NM_001407741.1 and 35 more transcripts); c.235G>A, p.Glu79Lys (NM_001408513.1, NM_001408514.1, NM_001407879.1 and 37 more transcripts); c.442G>A, p.Glu148Lys (NM_001407649.1, NM_001407613.1, NM_001407614.1 and 65 more transcripts); c.367G>A, p.Glu123Lys (NM_001407653.1, NM_001407654.1, NM_001407656.1 and 12 more transcripts); and 4 more; short protein forms E149K, E102K, E21K, E123K, E22K, E78K, E101K, E146K.
Identifiers: ClinVar variation 230088 (VCV000230088.16), dbSNP rs876658381, ClinGen allele CA10580698.